The following is an entry in ClinVar:

ClinVar aggregate classification (germline): Uncertain significance (1 of 4 stars; one submission).

Conditions:
Dilated cardiomyopathy 1G (CMD1G). Identifiers: Orphanet 154, MedGen C1858763, MONDO:0011400, OMIM 604145.
Autosomal recessive limb-girdle muscular dystrophy type 2J (LGMDR10). Also called: Limb-girdle muscular dystrophy, type 2J; MUSCULAR DYSTROPHY, LIMB-GIRDLE, AUTOSOMAL RECESSIVE 10. Identifiers: Orphanet 140922, MedGen C1837342, MONDO:0012127, OMIM 608807.

Allele frequency attached by ClinVar (database versions not stated): TOPMed below 0.00001.

Submission:

Labcorp Genetics (formerly Invitae), Labcorp
Classification: Uncertain significance for Dilated cardiomyopathy 1G; Autosomal recessive limb-girdle muscular dystrophy type 2J. Last evaluated: 2022-02-05. Review status: criteria provided, single submitter. Criteria: Invitae Variant Classification Sherloc (09022015). Collection method: clinical testing. Allele origin: germline.
Comment: ClinVar contains an entry for this variant (Variation ID: 936847). In summary, the available evidence is currently insufficient to determine the role of this variant in disease. Therefore, it has been classified as a Variant of Uncertain Significance. This variant is located in the Z band of TTN (PMID: 25589632). Variants in this region may be clinically relevant, but have not been definitively shown to cause cardiomyopathy or neuromuscular disease (PMID: 27493940, 32778822). Variants that disrupt the consensus splice site are a relatively common cause of aberrant splicing (PMID: 17576681, 9536098). Algorithms developed to predict the effect of sequence changes on RNA splicing suggest that this variant may create or strengthen a splice site. This variant has not been reported in the literature in individuals affected with TTN-related conditions. This variant is not present in population databases (gnomAD no frequency). This sequence change falls in intron 9 of the TTN gene. It does not directly change the encoded amino acid sequence of the TTN protein. It affects a nucleotide within the consensus splice site.

Literature cited by the submitters: PubMed 25589632; PubMed 27493940; PubMed 32778822; PubMed 17576681; PubMed 9536098.

NM_001267550.2(TTN):c.1536+3G>A

Gene: TTN (titin; minus strand). Cytogenetic location: 2q31.2.
Variant type: single nucleotide variant.
Coding change: c.1536+3G>A on transcript NM_001267550.2 (MANE Select); 3 bases into the intron after coding-DNA position 1536, G replaced by A.
Molecular consequence: intron variant.
Genome position (GRCh38, 1-based): chr2:178,793,401, C>T on the plus strand (G>A on the coding strand, the complement: TTN is on the minus strand). VCF-style: chr2-178793401-C-T. GRCh37 (hg19) VCF-style: chr2-179658128-C-T.
Other names: c.1536+3G>A (NM_003319.4, NM_133437.4, NM_133432.3 and 3 more transcripts).
Identifiers: ClinVar variation 936847 (VCV000936847.10), dbSNP rs1414333301, ClinGen allele CA761315964.